The following is an entry in ClinVar:

NM_153717.3(EVC):c.636T>A (p.Cys212Ter)

Gene: EVC (EvC ciliary complex subunit 1; plus strand). Cytogenetic location: 4p16.2.
Variant type: single nucleotide variant.
Coding change: c.636T>A on transcript NM_153717.3 (MANE Select); coding-DNA position 636, T replaced by A.
Protein change: p.Cys212Ter; replaces cysteine 212 with a stop codon.
Molecular consequence: nonsense.
Genome position (GRCh38, 1-based): chr4:5,733,369, T>A. VCF-style: chr4-5733369-T-A. GRCh37 (hg19) VCF-style: chr4-5735096-T-A.
Other names: c.636T>A, p.Cys212Ter (NM_001306090.2, NM_001306092.2); short protein forms C212*.
Identifiers: ClinVar variation 1726186 (VCV001726186.2), dbSNP rs2151945944, ClinGen allele CA356144149.

ClinVar aggregate classification (germline): Likely pathogenic (1 of 4 stars; one submission).

Conditions:
Ellis-van Creveld syndrome (EVC). Also called: EVC-Related Ellis-van Creveld Syndrome; EVC2-Related Ellis-van Creveld Syndrome; MESOECTODERMAL DYSPLASIA; Chondroectodermal dysplasia. Identifiers: Orphanet 289, MedGen C0013903, MONDO:0009162, OMIM 225500.

Submission:

Myriad Genetics, Inc.
Classification: Likely pathogenic for Ellis-van Creveld syndrome. Last evaluated: 2022-05-20. Review status: criteria provided, single submitter. Criteria: Myriad Women's Health Autosomal Recessive and X-Linked Classification Criteria (2021). Collection method: clinical testing. Allele origin: unknown.
Comment: NM_153717.2(EVC):c.636T>A(C212*) is expected to be pathogenic in the context of EVC-related Ellis-van Creveld syndrome. This variant is predicted to lead to an abnormal or absent protein product due to the creation of a premature termination codon in EVC, a gene where loss-of-function variants are known to be pathogenic. Please note: this variant was assessed in the context of healthy population screening.